The following is an entry in ClinVar:

ClinVar aggregate classification (germline): Conflicting classifications of pathogenicity. Review status: criteria provided, conflicting classifications (1 of 4 stars). 10 submissions from 10 submitters: Uncertain significance (6); Likely benign (3). 1 of the submissions does not count toward it. Last evaluated 2026-01-27.

Conditions:
Walker-Warburg congenital muscular dystrophy. Also called: Muscular dystrophy-dystroglycanopathy, type A; Walker-Warburg syndrome. Identifiers: Orphanet 899, MedGen C0265221, MONDO:0000171.
FKRP-related disorder. Also called: FKRP-related condition.
Cardiovascular phenotype. Identifiers: MedGen CN230736.

Allele frequency attached by ClinVar (database versions not stated): ExAC 0.00032; gnomAD 0.00086; TOPMed 0.00095; 1000 Genomes Project 0.00100; 1000 Genomes Project 30x 0.00141.
gnomAD v4.1: 217 of 1,611,398 alleles (0.013%); highest among the groups gnomAD compares: African/African-American, 0.26%; no homozygotes.

Submissions (10):

Labcorp Genetics (formerly Invitae), Labcorp
Classification: Likely benign for Walker-Warburg congenital muscular dystrophy. Last evaluated: 2026-01-27. Review status: criteria provided, single submitter. Criteria: Invitae Variant Classification Sherloc (09022015). Collection method: clinical testing. Allele origin: germline.

Mayo Clinic Laboratories, Mayo Clinic
Classification: Uncertain significance. Last evaluated: 2025-12-17. Review status: criteria provided, single submitter. Criteria: ACMG Guidelines, 2015. Collection method: clinical testing. Allele origin: germline. Observed: 3 variant alleles.
Comment: PP3_moderate

Athena Diagnostics
Classification: Uncertain significance. Last evaluated: 2025-08-20. Review status: criteria provided, single submitter. Criteria: Athena Diagnostics Criteria. Collection method: clinical testing. Allele origin: unknown.
Comment: Available data are insufficient to determine the clinical significance of the variant at this time. The frequency of this variant in the general population is uninformative in assessment of its pathogenicity. Polyphen and MutationTaster predict this amino acid change may be damaging to the protein.

GeneDx
Classification: Uncertain significance. Last evaluated: 2025-04-30. Review status: criteria provided, single submitter. Criteria: GeneDx Variant Classification Process June 2021. Collection method: clinical testing. Allele origin: germline. Affected: yes.
Comment: Previously reported as heterozygous in an individual with suspected limb girdle muscular dystrophy (PMID: 30564623); In silico analysis supports that this missense variant has a deleterious effect on protein structure/function; Missense variants in this gene are a common cause of disease and they are underrepresented in the general population; This variant is associated with the following publications: (PMID: 32906206, 30564623, 27439679)

Women's Health and Genetics/Laboratory Corporation of America, LabCorp
Classification: Likely benign. Last evaluated: 2025-02-10. Review status: criteria provided, single submitter. Criteria: LabCorp Variant Classification Summary - May 2015. Collection method: clinical testing. Allele origin: germline.
Comment: Variant summary: FKRP c.1154C>T (p.Ser385Leu) results in a non-conservative amino acid change in the encoded protein sequence. Five of five in-silico tools predict a damaging effect of the variant on protein function. The variant allele was found at a frequency of 0.00013 in 1611398 control chromosomes, predominantly at a frequency of 0.0026 within the African or African-American subpopulation in the gnomAD database. The observed variant frequency within African or African-American control individuals in the gnomAD database is higher than the estimated maximal expected allele frequency for a pathogenic variant in FKRP causing Limb-Girdle Muscular Dystrophy, Autosomal Recessive phenotype (0.0024). c.1154C>T has been reported in the literature in individuals affected with Limb-Girdle Muscular Dystrophy, Autosomal Recessive (Nallamilli_2018). These report(s) do not provide unequivocal conclusions about association of the variant with Limb-Girdle Muscular Dystrophy, Autosomal Recessive. To our knowledge, no experimental evidence demonstrating an impact on protein function has been reported. The following publication have been ascertained in the context of this evaluation (PMID: 30564623). ClinVar contains an entry for this variant (Variation ID: 291171). Based on the evidence outlined above, the variant was classified as likely benign.

Ambry Genetics
Classification: Likely benign for Cardiovascular phenotype. Last evaluated: 2023-04-13. Review status: criteria provided, single submitter. Criteria: Ambry Variant Classification Scheme 2023. Collection method: clinical testing. Allele origin: germline.

Blueprint Genetics
Classification: Uncertain significance. Last evaluated: 2022-04-08. Review status: criteria provided, single submitter. Criteria: ACMG Guidelines, 2015. Collection method: clinical testing. Allele origin: germline.

Revvity Omics, Revvity
Classification: Uncertain significance. Last evaluated: 2021-02-17. Review status: criteria provided, single submitter. Criteria: ACMG Guidelines, 2015. Collection method: clinical testing. Allele origin: germline.

Eurofins Ntd Llc (ga)
Classification: Uncertain significance. Last evaluated: 2017-12-07. Review status: criteria provided, single submitter. Criteria: EGL Classification Definitions 2015. Collection method: clinical testing. Allele origin: germline. Observed: 5 variant alleles, 5 heterozygotes.

PreventionGenetics, part of Exact Sciences
Classification: Likely benign for FKRP-related condition. Last evaluated: 2022-09-20. Review status: no assertion criteria provided. Collection method: clinical testing. Allele origin: germline. Not counted in ClinVar's aggregate classification.
Comment: This variant is classified as likely benign based on ACMG/AMP sequence variant interpretation guidelines (Richards et al. 2015 PMID: 25741868, with internal and published modifications).

Literature cited by the submitters: PubMed 30564623 (cited by 4 submitters); PubMed 39678382 (cited by Mayo Clinic Laboratories, Mayo Clinic).

NM_024301.5(FKRP):c.1154C>T (p.Ser385Leu)

Gene: FKRP (fukutin related protein; plus strand). Cytogenetic location: 19q13.32.
Variant type: single nucleotide variant.
Coding change: c.1154C>T on transcript NM_024301.5 (MANE Select); coding-DNA position 1154, C replaced by T.
Protein change: p.Ser385Leu; replaces serine 385 with leucine.
Molecular consequence: missense variant.
Genome position (GRCh38, 1-based): chr19:46,756,604, C>T. VCF-style: chr19-46756604-C-T. GRCh37 (hg19) VCF-style: chr19-47259861-C-T.
Other names: p.Ser385Leu; c.1154C>T, p.Ser385Leu (NM_001039885.3); short protein forms S385L.
Identifiers: ClinVar variation 291171 (VCV000291171.31), dbSNP rs104894680, ClinGen allele CA9532258.